The following is an entry in ClinVar:

ClinVar aggregate classification (germline): Uncertain significance (1 of 4 stars; one submission).

Conditions:
Ullrich congenital muscular dystrophy 2 (UCMD2). Identifiers: Orphanet 75840, MedGen C4225314, MONDO:0014654, OMIM 616470.
Bethlem myopathy 2 (BTHLM2). Identifiers: Orphanet 536516, Orphanet 610, MedGen C4225313, MONDO:0034022, OMIM 616471.

Allele frequency attached by ClinVar (database versions not stated): TOPMed below 0.00001.

Submission:

Labcorp Genetics (formerly Invitae), Labcorp
Classification: Uncertain significance for Bethlem myopathy 2; Ullrich congenital muscular dystrophy 2. Last evaluated: 2024-01-16. Review status: criteria provided, single submitter. Criteria: Invitae Variant Classification Sherloc (09022015). Collection method: clinical testing. Allele origin: germline.
Comment: This sequence change replaces glycine, which is neutral and non-polar, with valine, which is neutral and non-polar, at codon 897 of the COL12A1 protein (p.Gly897Val). This variant is not present in population databases (gnomAD no frequency). This variant has not been reported in the literature in individuals affected with COL12A1-related conditions. Advanced modeling of protein sequence and biophysical properties (such as structural, functional, and spatial information, amino acid conservation, physicochemical variation, residue mobility, and thermodynamic stability) performed at Invitae indicates that this missense variant is not expected to disrupt COL12A1 protein function with a negative predictive value of 80%. In summary, the available evidence is currently insufficient to determine the role of this variant in disease. Therefore, it has been classified as a Variant of Uncertain Significance.

NM_004370.6(COL12A1):c.2690G>T (p.Gly897Val)

Gene: COL12A1 (collagen type XII alpha 1 chain; minus strand). Cytogenetic location: 6q13.
Variant type: single nucleotide variant.
Coding change: c.2690G>T on transcript NM_004370.6 (MANE Select); coding-DNA position 2690, G replaced by T.
Protein change: p.Gly897Val; replaces glycine 897 with valine.
Molecular consequence: missense variant. On other transcripts: intron variant (3).
Genome position (GRCh38, 1-based): chr6:75,175,058, C>A on the plus strand (G>T on the coding strand, the complement: COL12A1 is on the minus strand). VCF-style: chr6-75175058-C-A. GRCh37 (hg19) VCF-style: chr6-75884774-C-A.
Other names: c.2690G>T, p.Gly897Val (NM_001424113.1, NM_001424114.1); c.74-22576G>T (NM_001424116.1, NM_080645.3); c.2437+2605G>T (NM_001424115.1); short protein forms G897V.
Identifiers: ClinVar variation 2925793 (VCV002925793.3), dbSNP rs1768852077, ClinGen allele CA364761130.
Genomic context (GRCh38, chr6:75,175,058, plus strand): 5'-AACAAGTTCCTGGATTTTCAGAAAATATGATGGTAATTACCTTCAAGTGTTGTTCCTTCA[C>A]CAAAGAGGGCGTCTCCAGCCCCAGACGCATACAAGGCTGTCACAGATAAGGCGTATTGTG-3'
Protein context (NP_004361.3, residues 887-907): YASGAGDALF[Gly897Val]EGTTLEERGS